The following is an entry in ClinVar:

ClinVar aggregate classification (germline): Pathogenic/Likely pathogenic. Review status: criteria provided, multiple submitters, no conflicts (2 of 4 stars). 13 submissions from 12 submitters: Pathogenic (6); Likely pathogenic (3). 4 of the submissions do not count toward it. Last evaluated 2024-06-12.

Conditions:
Hereditary von Willebrand disease. Identifiers: Orphanet 903, MedGen C5703318, MONDO:0019565. Inheritance: Autosomal recessive or Autosomal dominant.
von Willebrand disease type 2 (VWD2). Also called: VWD, TYPE 2; VON WILLEBRAND DISEASE, TYPE 2A/IIE; VON WILLEBRAND DISEASE, TYPE 2CB; VON WILLEBRAND DISEASE, TYPE II. Identifiers: Orphanet 166081, Orphanet 903, MedGen C1264040, MONDO:0013304, OMIM 613554.
Von Willebrand disease type 2A. Identifiers: Orphanet 166084, MedGen C1282968, MONDO:0015628. Inheritance: Autosomal recessive or autosomal dominant.

Submissions 1 to 12 of 13:

Mayo Clinic Laboratories, Mayo Clinic
Classification: Pathogenic. Last evaluated: 2024-06-12. Review status: criteria provided, single submitter. Criteria: ACMG Guidelines, 2015. Collection method: clinical testing. Allele origin: germline.
Comment: PP3, PP5, PM2_moderate, PM6, PS2, PS3, PS4_moderate

Versiti Diagnostic Laboratories, Versiti, Inc
Classification: Pathogenic for Von Willebrand disease type 2A. Last evaluated: 2024-04-10. Review status: criteria provided, single submitter. Criteria: Versiti Assertion Criteria. Collection method: clinical testing. Allele origin: germline. Affected: yes.
Comment: The missense variant VWF c.4517C>T, p.Ser1506Leu (p.S1506L; legacy p.S743L) in exon 28 changes amino acid serine at codon 1506 to leucine. The serine at this residue is highly conserved among species. This amino acid change occurs in the A2 domain, a functional domain that is cleaved by ADAMTS13 (PMID:24928861); variants in this domain that cause increased VWF susceptibility for ADAMTS13 proteolysis are a known cause of type 2A VWD (PMID:16322474). Pathogenic variants in VWF are associated with autosomal dominant or autosomal recessive von Willebrand disease (VWD), characterized by quantitative or qualitative deficiencies in von Willebrand factor and resulting in prolonged bleeding. This sequence variant has been previously reported in patients with type 2A von Willebrand disease including a de novo report (PMID:1324533; PMID:22329792; PMID: 22431572; PMID:26986123; PMID:28971901; PMID:36226571). This variant was observed in 20 patients within our laboratory cohort. All patients were heterozygous for this variant; 14 of the 20 patients had a clinical diagnosis of type 2A VWD prior to genetic testing. For all 13 patients in which multimer analysis results were provided, results were abnormal showing absence of the high molecular weight multimers (MWM) in 10, absence of higher and intermediate MWM in 2, and absence of highest MWM in 1 patient. 5 patients with this variant and a clinical diagnosis of type 2A had negative VWF inhibitor studies and normal 2B Binding testing performed through our institution. To date, this variant has not been reported in the general population (GnomAD v2, GnomAD v3, ExAC, Variation Viewer). Functional studies of the variant in mammalian cells demonstrated defective multimerization, impaired VWF secretion, and loss of regulated storage of VWF in Weibel-Palade body-like granules (PMID:16322474; PMID:22431572). In summary, the collective evidence supports VWF c.4517C>T, p.Ser1506Leu as a pathogenic variant for type 2A von Willebrand disease.

Women's Health and Genetics/Laboratory Corporation of America, LabCorp
Classification: Pathogenic for von Willebrand disorder. Last evaluated: 2023-12-01. Review status: criteria provided, single submitter. Criteria: LabCorp Variant Classification Summary - May 2015. Collection method: clinical testing. Allele origin: germline.
Comment: Variant summary: VWF c.4517C>T (p.Ser1506Leu) results in a non-conservative amino acid change located in a type A domain (IPR002035) of the encoded protein sequence. Five of five in-silico tools predict a damaging effect of the variant on protein function. The frequency data for this variant in gnomAD (versions 2 and 4) is considered unreliable, as metrics indicate poor data quality at this position. c.4517C>T has been reported in the literature in many heterozygous individuals affected with Von Willebrand Disease Type 2A (e.g., Jacobi_2012, Berber_2013, Fidalgo_2016, Leinoe_2017, Boender_2018, Chen_2022), including as a de novo variant with confirmed maternity/paternity (Chen_2022). These data indicate that the variant is likely to be associated with disease. At least two publications report experimental evidence evaluating an impact on protein function, finding that the variant results in severely impaired secretion (e.g., Jacobi_2012, Hassenpflug_2006). The following publications have been ascertained in the context of this evaluation (PMID: 22473027, 30358069, 36226571, 26988807, 16322474, 22431572, 28748566). Six submitters have reported clinical-significance assessments for this variant to ClinVar after 2014. All submitters classified the variant as pathogenic/likely pathogenic. Based on the evidence outlined above, the variant was classified as pathogenic.

Quest Diagnostics Nichols Institute San Juan Capistrano
Classification: Pathogenic. Last evaluated: 2023-02-08. Review status: criteria provided, single submitter. Criteria: Quest Diagnostics criteria. Collection method: clinical testing. Allele origin: unknown.
Comment: In the published literature, the variant has been reported in multiple individuals with Type 2A von Willebrand disease (vWD), including three de novo patients (PMIDs: 1380739 (1992), 7906590 (1993), 25477497 (2015), 27766062 (2016), 28536718 (2017), 31249928 (2018), 31939074 (2020), and 36226571 (2022)). In vitro functional studies, as well as laboratory testing performed on vWD patients, showed this variant results in a deleterious effect on VWD protein function (PMIDs: 1537829 (1992), 16322474 (2006), 22431572 (2012), and 27443694 (2016)). It has not been reported in large, multi-ethnic general populations. However, it is reported with a frequency of 3% in a population of apparently healthy Japanese individuals, and as a polymorphism (1%) in the French population (see rs61750100 at HGVD and PMID: 22473027 (2013)).Analysis of this variant using bioinformatics tools for the prediction of the effect of amino acid changes on protein structure and function yielded predictions that this variant is damaging. Based on the available information, this variant is classified as pathogenic.

Institute of Immunology and Genetics Kaiserslautern
Classification: Pathogenic for von Willebrand disease type 2. Last evaluated: 2023-01-06. Review status: criteria provided, single submitter. Criteria: ACMG Guidelines, 2015. Collection method: clinical testing. Allele origin: germline. Affected: yes.
Comment: ACMG Criteria: PS3, PM2, PP1, PP3, PP4, PP5; Variant was found in heterozygous state.

Laboratory of Hematology, Radboud University Medical Center
Classification: Pathogenic for von Willebrand disease type 2. Last evaluated: 2020-12-10. Review status: criteria provided, single submitter. Criteria: ACMG Guidelines, 2015. Collection method: research. Allele origin: germline. Affected: yes. Observed: 2 variant alleles. Study: WIN study.

NIHR Bioresource Rare Diseases, University of Cambridge
Classification: Likely pathogenic for von Willebrand disorder. Last evaluated: 2019-02-01. Review status: criteria provided, single submitter. Criteria: ACMG Guidelines, 2015. Collection method: research. Allele origin: unknown. Affected: yes. Observed: 1 heterozygote. Study: ThromboGenomics.

GeneDx
Classification: Likely pathogenic. Last evaluated: 2017-07-10. Review status: criteria provided, single submitter. Criteria: GeneDx Variant Classification (06012015). Collection method: clinical testing. Allele origin: germline. Affected: yes.
Comment: The S1506L variant in the VWF gene has been reported previously in the heterozygous state in multiple unrelated individuals with von Willebrand disease type 2A (Culpan et al., 1998; Hassenpflug et al., 2006; Jacobi et al., 2012; Berber et al., 2013; Vayradier et al., 2016). The S1506L variant is not observed in large population cohorts (Lek et al., 2016; 1000 Genomes Consortium et al., 2015; Exome Variant Server). The S1506L variant is a non-conservative amino acid substitution, which is likely to impact secondary protein structure as these residues differ in polarity, charge, size and/or other properties. This substitution occurs at a position that is conserved in mammals. Functional studies of the S1506L variant demonstrate a damaging effect with decreased expression of high- and intermediate-molecular-weight multimers of von Willebrand factor and severely impaired secretion of von Willebrand factor (Hassenpflug et al., 2006; Jacobi et al., 2012). Missense variants in nearby residues (L1503P, L1503R, L1503Q, G1505R, G1505E, I1509V) have been reported in the Human Gene Mutation Database in association with von Willebrand disease (Stenson et al., 2014), supporting the functional importance of this region of the protein. We interpret S1506L as a likely pathogenic variant.

ISTH-SSC Genomics in Thrombosis and Hemostasis, KU Leuven, Center for Molecular and Vascular Biology
Classification: Likely pathogenic for von Willebrand disease type 2. Review status: criteria provided, single submitter. Criteria: ACMG Guidelines, 2015. Collection method: clinical testing. Allele origin: germline. Affected: yes. Observed: 1 heterozygote.
Comment: Submitted to the GoldVariant database by Kathleen Freson, Center for Molecular and Vascular Biology

Angelo Bianchi Bonomi Hemophilia and Thrombosis Center, Fondazione IRCCS Ca Granda Ospedale Maggiore Policlinico
Classification: Likely pathogenic for von Willebrand disease type 2. Last evaluated: 2022-04-26. Review status: no assertion criteria provided. Collection method: clinical testing. Allele origin: germline. Affected: yes. Not counted in ClinVar's aggregate classification.

Academic Unit of Haematology, University of Sheffield
No classification provided. Review status: no classification provided. Collection method: not provided. Allele origin: not provided. Not counted in ClinVar's aggregate classification.

GeneReviews
No classification provided. Condition: von Willebrand disorder. Review status: no classification provided. Collection method: literature only. Allele origin: germline. Not counted in ClinVar's aggregate classification.

NM_000552.5(VWF):c.4517C>T (p.Ser1506Leu)

Gene: VWF (von Willebrand factor; minus strand). Cytogenetic location: 12p13.31.
Variant type: single nucleotide variant.
Coding change: c.4517C>T on transcript NM_000552.5 (MANE Select); coding-DNA position 4517, C replaced by T.
Protein change: p.Ser1506Leu; replaces serine 1506 with leucine.
Molecular consequence: missense variant.
Genome position (GRCh38, 1-based): chr12:6,018,901, G>A on the plus strand (C>T on the coding strand, the complement: VWF is on the minus strand). VCF-style: chr12-6018901-G-A. GRCh37 (hg19) VCF-style: chr12-6128067-G-A.
Other names: p.S1506L; short protein forms S1506L.
Identifiers: ClinVar variation 100369 (VCV000100369.22), dbSNP rs61750100, ClinGen allele CA228615.
Genomic context (GRCh38, chr12:6,018,901, plus strand): 5'-TGAATCACCTCCTCCATGAACTCCTTGCTCCTGTTGAAGTCGGCTTCACCAATTTTGTCC[G>A]ATCCTTCCAGGACGAACGCCACATCCAGAACCATGGAGTTCCTCTTGGGCCCCAGGGTCG-3'
Protein context (NP_000543.3, residues 1496-1516): VLDVAFVLEG[Ser1506Leu]DKIGEADFNR